The following is an entry in ClinVar:

ClinVar aggregate classification (germline): Uncertain significance. Review status: criteria provided, multiple submitters, no conflicts (2 of 4 stars). 3 submissions from 3 submitters: Uncertain significance (3). Last evaluated 2026-02-01.

Submissions (3):

CeGaT Center for Human Genetics Tuebingen
Classification: Uncertain significance. Last evaluated: 2026-02-01. Review status: criteria provided, single submitter. Criteria: CeGaT Center For Human Genetics Tuebingen Variant Classification Criteria Version 2. Collection method: clinical testing. Allele origin: germline. Affected: yes. Observed: 1 variant allele.
Comment: SLC25A3: PM2

Ambry Genetics
Classification: Uncertain significance. Last evaluated: 2025-06-07. Review status: criteria provided, single submitter. Criteria: Ambry Variant Classification Scheme 2023. Collection method: clinical testing. Allele origin: germline.

Blueprint Genetics
Classification: Uncertain significance. Last evaluated: 2024-09-06. Review status: criteria provided, single submitter. Criteria: ACMG Guidelines, 2015. Collection method: clinical testing. Allele origin: germline.

NM_002635.4(SLC25A3):c.306A>G (p.Ile102Met)

Gene: SLC25A3 (solute carrier family 25 member 3; plus strand). Cytogenetic location: 12q23.1.
Variant type: single nucleotide variant.
Coding change: c.306A>G on transcript NM_002635.4 (MANE Select); coding-DNA position 306, A replaced by G.
Protein change: p.Ile102Met; replaces isoleucine 102 with methionine.
Molecular consequence: missense variant.
Genome position (GRCh38, 1-based): chr12:98,597,882, A>G. VCF-style: chr12-98597882-A-G. GRCh37 (hg19) VCF-style: chr12-98991660-A-G.
Other names: c.309A>G, p.Ile103Met (NM_005888.4); c.306A>G, p.Ile102Met (NM_213611.3); short protein forms I102M, I103M.
Identifiers: ClinVar variation 3955941 (VCV003955941.6).